The following is an entry in ClinVar:

ClinVar aggregate classification (germline): Uncertain significance. Review status: criteria provided, multiple submitters, no conflicts (2 of 4 stars). 2 submissions from 2 submitters: Uncertain significance (2). Last evaluated 2023-12-19.

Allele frequency attached by ClinVar (database versions not stated): TOPMed 0.00003; gnomAD 0.00005; gnomAD exomes 0.00005; ExAC 0.00006.
gnomAD v4.1: 74 of 1,607,774 alleles (0.0046%); highest among the groups gnomAD compares: Middle Eastern, 0.02%; no homozygotes.

Submissions (2):

Ambry Genetics
Classification: Uncertain significance. Last evaluated: 2023-12-19. Review status: criteria provided, single submitter. Criteria: Ambry Variant Classification Scheme 2023. Collection method: clinical testing. Allele origin: germline.

Labcorp Genetics (formerly Invitae), Labcorp
Classification: Uncertain significance. Last evaluated: 2022-02-11. Review status: criteria provided, single submitter. Criteria: Invitae Variant Classification Sherloc (09022015). Collection method: clinical testing. Allele origin: germline.
Comment: This sequence change replaces arginine, which is basic and polar, with tryptophan, which is neutral and slightly polar, at codon 189 of the EXOC3L2 protein (p.Arg189Trp). This variant is present in population databases (rs773062401, gnomAD 0.009%). This variant has not been reported in the literature in individuals affected with EXOC3L2-related conditions. Algorithms developed to predict the effect of missense changes on protein structure and function are either unavailable or do not agree on the potential impact of this missense change (SIFT: "Deleterious"; PolyPhen-2: "Probably Damaging"; Align-GVGD: "Class C0"). In summary, the available evidence is currently insufficient to determine the role of this variant in disease. Therefore, it has been classified as a Variant of Uncertain Significance.

NM_001382422.1(EXOC3L2):c.1744C>T (p.Arg582Trp)

Gene: EXOC3L2 (exocyst complex component 3 like 2; minus strand). Cytogenetic location: 19q13.32.
Variant type: single nucleotide variant.
Coding change: c.1744C>T on transcript NM_001382422.1 (MANE Select); coding-DNA position 1744, C replaced by T.
Protein change: p.Arg582Trp; replaces arginine 582 with tryptophan.
Molecular consequence: missense variant.
Genome position (GRCh38, 1-based): chr19:45,218,295, G>A on the plus strand (C>T on the coding strand, the complement: EXOC3L2 is on the minus strand). VCF-style: chr19-45218295-G-A. GRCh37 (hg19) VCF-style: chr19-45721553-G-A.
Other names: NM_138568.3:c.565C>T; short protein forms R582W.
Identifiers: ClinVar variation 2197534 (VCV002197534.5), dbSNP rs773062401, ClinGen allele CA9510502.
Genomic context (GRCh38, chr19:45,218,295, plus strand): 5'-CCTGGGCACCCAGCGTGCCCACGATGCCATCCAGGGCCTCCGGGCTGCTCAGCCACTTCC[G>A]GCGCATCAGCTTGTTGAAGTGTGGCTGGCAGGGACAGAGTAGGGGGTCACGCTCTCCTCC-3'
Protein context (NP_001369351.1, residues 572-592): LQPHFNKLMR[Arg582Trp]KWLSSPEALD